The following is an entry in ClinVar:

ClinVar aggregate classification (germline): Benign/Likely benign. Review status: criteria provided, multiple submitters, no conflicts (2 of 4 stars). 11 submissions from 11 submitters: Benign (7); Likely benign (2). 2 of the submissions do not count toward it. Last evaluated 2026-09-21.

Conditions:
Cardiac arrhythmia, ankyrin-B-related. Also called: ANKYRIN-B SYNDROME. Identifiers: Orphanet 101016, Orphanet 768, MedGen C1970119, MONDO:0010958, OMIM 600919.
Cardiovascular phenotype. Identifiers: MedGen CN230736.
Long QT syndrome (LQTS). Identifiers: MedGen C0023976, MeSH D008133, MONDO:0002442. Disease mechanism: loss of function. Inheritance: Various modes of inheritance.

Allele frequency attached by ClinVar (database versions not stated): gnomAD exomes 0.00046 and 0.00139; gnomAD 0.00571 and 0.00612; TOPMed 0.00613; 1000 Genomes Project 30x 0.00687; ExAC 0.00166; 1000 Genomes Project 0.00679; ESP Exome Variant Server 0.00554.
gnomAD v4.1: 1,569 of 1,613,794 alleles (0.097%); highest among the groups gnomAD compares: African/African-American, 1.9%; 12 homozygotes.

Submissions (11):

Molecular Diagnostic Laboratory for Inherited Cardiovascular Disease, Montreal Heart Institute
Classification: Likely benign. Last evaluated: 2026-09-21. Review status: criteria provided, single submitter. Criteria: ACMG Guidelines, 2015. Collection method: clinical testing. Allele origin: germline. Affected: no.
Comment: BS1;BP7

Labcorp Genetics (formerly Invitae), Labcorp
Classification: Benign for Long QT syndrome. Last evaluated: 2026-02-02. Review status: criteria provided, single submitter. Criteria: Invitae Variant Classification Sherloc (09022015). Collection method: clinical testing. Allele origin: germline.

Blueprint Genetics
Classification: Likely benign. Last evaluated: 2024-09-25. Review status: criteria provided, single submitter. Criteria: ACMG Guidelines, 2015. Collection method: clinical testing. Allele origin: germline.

Genome-Nilou Lab
Classification: Benign for Cardiac arrhythmia, ankyrin-B-related. Last evaluated: 2021-12-05. Review status: criteria provided, single submitter. Criteria: ACMG Guidelines, 2015. Collection method: clinical testing. Allele origin: germline. Affected: no.

Women's Health and Genetics/Laboratory Corporation of America, LabCorp
Classification: Benign. Last evaluated: 2018-02-05. Review status: criteria provided, single submitter. Criteria: LabCorp Variant Classification Summary - May 2015. Collection method: clinical testing. Allele origin: germline.
Comment: Variant summary: ANK2 c.1995A>G alters a non-conserved nucleotide resulting in a synonymous change. 5/5 computational tools predict no significant impact on normal splicing. However, these predictions have yet to be confirmed by functional studies. The variant allele was found at a frequency of 0.0018 in 276952 control chromosomes, predominantly at a frequency of 0.02 within the African subpopulation in the gnomAD database, including 4 homozygotes. The observed variant frequency within African control individuals in the gnomAD database is approximately 1999.99 fold of the estimated maximal expected allele frequency for a pathogenic variant in ANK2 causing Arrhythmia phenotype (1e-05), strongly suggesting that the variant is a benign polymorphism found primarily in populations of African origin. To our knowledge, no occurrence of c.1995A>G in individuals affected with Arrhythmia and no experimental evidence demonstrating its impact on protein function have been reported. Three clinical diagnostic laboratories have submitted clinical-significance assessments for this variant to ClinVar after 2014 without evidence for independent evaluation. All laboratories classified the variant as benign/likely benign. Based on the evidence outlined above, the variant was classified as benign.

Illumina Laboratory Services, Illumina
Classification: Benign for Cardiac arrhythmia, ankyrin-B-related. Last evaluated: 2018-01-13. Review status: criteria provided, single submitter. Criteria: ICSL Variant Classification Criteria 13 December 2019. Collection method: clinical testing. Allele origin: germline.
Comment: This variant was observed in the ICSL laboratory as part of a predisposition screen in an ostensibly healthy population. It had not been previously curated by ICSL or reported in the Human Gene Mutation Database (HGMD: prior to June 1st, 2018), and was therefore a candidate for classification through an automated scoring system. Utilizing variant allele frequency, disease prevalence and penetrance estimates, and inheritance mode, an automated score was calculated to assess if this variant is too frequent to cause the disease. Based on the score and internal cut-off values, a variant classified as benign is not then subjected to further curation. The score for this variant resulted in a classification of benign for this disease.

Ambry Genetics
Classification: Benign for Cardiovascular phenotype. Last evaluated: 2015-09-28. Review status: criteria provided, single submitter. Criteria: Ambry Variant Classification Scheme 2023. Collection method: clinical testing. Allele origin: germline.

GeneDx
Classification: Benign. Last evaluated: 2015-03-03. Review status: criteria provided, single submitter. Criteria: GeneDx Variant Classification Process June 2021. Collection method: clinical testing. Allele origin: germline. Affected: yes.

Breakthrough Genomics
Classification: Benign. Review status: criteria provided, single submitter. Criteria: ACMG Guidelines, 2015. Collection method: not provided. Allele origin: germline. Inheritance: Autosomal dominant inheritance. Affected: yes.

Clinical Genetics, Academic Medical Center
Classification: Benign. Review status: no assertion criteria provided. Collection method: clinical testing. Allele origin: germline. Affected: yes. Study: VKGL Data-share Consensus. Not counted in ClinVar's aggregate classification.

Joint Genome Diagnostic Labs from Nijmegen and Maastricht, Radboudumc and MUMC+
Classification: Benign. Review status: no assertion criteria provided. Collection method: clinical testing. Allele origin: germline. Affected: yes. Study: VKGL Data-share Consensus. Not counted in ClinVar's aggregate classification.

NM_001148.6(ANK2):c.1995A>G (p.Pro665=)

Gene: ANK2 (ankyrin 2; plus strand). Cytogenetic location: 4q26.
Variant type: single nucleotide variant.
Coding change: c.1995A>G on transcript NM_001148.6 (MANE Select); coding-DNA position 1995, A replaced by G.
Protein change: p.Pro665=; no amino-acid change (proline 665 retained).
Molecular consequence: synonymous variant.
Genome position (GRCh38, 1-based): chr4:113,282,788, A>G. VCF-style: chr4-113282788-A-G. GRCh37 (hg19) VCF-style: chr4-114203944-A-G.
Other names: c.1995A>G (NM_001148.5); c.1932A>G, p.Pro644= (NM_001127493.3, NM_001354239.2, NM_001354243.2 and 10 more transcripts); c.1995A>G, p.Pro665= (NM_001354225.2, NM_001354228.2, NM_001354232.2 and 6 more transcripts); c.2040A>G, p.Pro680= (NM_001354230.2, NM_001354231.2, NM_001354237.2 and 5 more transcripts); c.1896A>G, p.Pro632= (NM_001354245.2, NM_001354268.2); c.1908A>G, p.Pro636= (NM_001354249.2, NM_001354264.2, NM_001354266.2 and 10 more transcripts); c.1833A>G, p.Pro611= (NM_001354253.2, NM_001354257.2, NM_001354270.2 and 1 more transcripts); c.1809A>G, p.Pro603= (NM_001354260.2, NM_001354271.2, NM_001386151.1); and 9 more.
Identifiers: ClinVar variation 264372 (VCV000264372.28), dbSNP rs45442693, ClinGen allele CA3050419.